The following is an entry in ClinVar:

NM_017617.5(NOTCH1):c.3925A>C (p.Asn1309His)

Gene: NOTCH1 (notch receptor 1; minus strand). Cytogenetic location: 9q34.3.
Variant type: single nucleotide variant.
Coding change: c.3925A>C on transcript NM_017617.5 (MANE Select); coding-DNA position 3925, A replaced by C.
Protein change: p.Asn1309His; replaces asparagine 1309 with histidine.
Molecular consequence: missense variant.
Genome position (GRCh38, 1-based): chr9:136,506,616, T>G on the plus strand (A>C on the coding strand, the complement: NOTCH1 is on the minus strand). VCF-style: chr9-136506616-T-G. GRCh37 (hg19) VCF-style: chr9-139401068-T-G.
Other names: short protein forms N1309H.
Identifiers: ClinVar variation 3880500 (VCV003880500.1).

ClinVar aggregate classification (germline): Uncertain significance (1 of 4 stars; one submission).

Conditions:
Familial thoracic aortic aneurysm and aortic dissection (TAAD). Also called: Thoracic aortic aneurysms and dissections. Identifiers: Orphanet 91387, MedGen C4707243, MONDO:0019625.

gnomAD v4.1: 8 of 1,610,826 alleles (0.0005%); highest among the groups gnomAD compares: South Asian, 0.0088%; no homozygotes.

Submission:

Ambry Genetics
Classification: Uncertain significance for Familial thoracic aortic aneurysm and aortic dissection. Last evaluated: 2025-03-09. Review status: criteria provided, single submitter. Criteria: Ambry Variant Classification Scheme 2023. Collection method: clinical testing. Allele origin: germline.
Comment: The p.N1309H variant (also known as c.3925A>C), located in coding exon 24 of the NOTCH1 gene, results from an A to C substitution at nucleotide position 3925. The asparagine at codon 1309 is replaced by histidine, an amino acid with similar properties. This amino acid position is conserved. In addition, this alteration is predicted to be tolerated by in silico analysis. Based on the available evidence, the clinical significance of this variant remains unclear.